The following is an entry in ClinVar:

ClinVar aggregate classification (germline): Pathogenic (1 of 4 stars; one submission).

Submission:

GeneDx
Classification: Pathogenic. Last evaluated: 2024-11-26. Review status: criteria provided, single submitter. Criteria: GeneDx Variant Classification Process June 2021. Collection method: clinical testing. Allele origin: germline. Affected: yes.
Comment: Frameshift variant predicted to result in protein truncation or nonsense mediated decay in a gene for which loss of function is a known mechanism of disease; Not observed at significant frequency in large population cohorts (gnomAD); Has not been previously published as pathogenic or benign to our knowledge; This variant is associated with the following publications: (PMID: 35451537)

NM_002585.4(PBX1):c.370_371dup (p.Gly125fs)

Gene: PBX1 (PBX homeobox 1; plus strand). Cytogenetic location: 1q23.3.
Variant type: Duplication.
Coding change: c.370_371dup on transcript NM_002585.4 (MANE Select); coding-DNA positions 370 to 371, 2 bases duplicated (GG; older notation c.370_371dupGG).
Protein change: p.Gly125fs; shifts the reading frame from glycine 125.
Molecular consequence: frameshift variant.
Genome position (GRCh38, 1-based): chr1:164,792,598-164,792,599, GG duplicated. VCF-style (leftmost placement, unchanged base first): chr1-164792597-C-CGG. GRCh37 (hg19) VCF-style: chr1-164761834-C-CGG.
Other names: c.370_371dupGG (NM_002585.3); c.370_371dup, p.Gly125fs (NM_001204961.2, NM_001204963.2, NM_001353131.2); c.121_122dup, p.Gly42fs (NM_001353130.1); short protein forms G42fs, G125fs.
Identifiers: ClinVar variation 817312 (VCV000817312.3), dbSNP rs1571416477, ClinGen allele CA915943650.